The following is an entry in ClinVar:

ClinVar aggregate classification (germline): Conflicting classifications of pathogenicity. Review status: criteria provided, conflicting classifications (1 of 4 stars). 4 submissions from 4 submitters: Uncertain significance (3); Likely benign (1). Last evaluated 2026-01-19.

Conditions:
Inborn genetic diseases. Identifiers: MedGen C0950123, MeSH D030342.
LAMA2-related muscular dystrophy (LAMA2-RD). Also called: Laminin alpha 2-related dystrophy. Identifiers: MedGen C5679788, MONDO:0100228.

Allele frequency attached by ClinVar (database versions not stated): TOPMed 0.00002.
gnomAD v4.1: 63 of 1,612,284 alleles (0.0039%); highest among the groups gnomAD compares: Non-Finnish European, 0.0049%; no homozygotes.

Submissions (4):

Labcorp Genetics (formerly Invitae), Labcorp
Classification: Likely benign for LAMA2-related muscular dystrophy. Last evaluated: 2026-01-19. Review status: criteria provided, single submitter. Criteria: Invitae Variant Classification Sherloc (09022015). Collection method: clinical testing. Allele origin: germline.

Blueprint Genetics
Classification: Uncertain significance. Last evaluated: 2024-09-12. Review status: criteria provided, single submitter. Criteria: ACMG Guidelines, 2015. Collection method: clinical testing. Allele origin: germline.

Ambry Genetics
Classification: Uncertain significance for Inborn genetic diseases. Last evaluated: 2023-08-21. Review status: criteria provided, single submitter. Criteria: Ambry Variant Classification Scheme 2023. Collection method: clinical testing. Allele origin: germline.

GeneDx
Classification: Uncertain significance. Last evaluated: 2017-06-23. Review status: criteria provided, single submitter. Criteria: GeneDx Variant Classification (06012015). Collection method: clinical testing. Allele origin: germline. Affected: yes.
Comment: A variant of uncertain significance has been identified in the LAMA2 gene. The F2371C variant has not been published as a pathogenic variant, nor has it been reported as a benign variant to our knowledge. The F2371C variant is observed in 13/66718 (0.02%) alleles from individuals of European background (Lek et al., 2016; 1000 Genomes Consortium et al., 2015; Exome Variant Server). The F2371C variant is a non-conservative amino acid substitution, which is likely to impact secondary protein structure as these residues differ in polarity, charge, size and/or other properties. This substitution occurs at a position that is conserved across species and in silico analysis predicts this variant is probably damaging to the protein structure/function. However, missense variants in nearby residues have not been reported in Human Gene Mutation Database in association with LAMA2-related disorders (Stenson et al., 2014). Therefore, based on the currently available information, it is unclear whether this variant is a pathogenic variant or a rare benign variant.

NM_000426.4(LAMA2):c.7112T>G (p.Phe2371Cys)

Gene: LAMA2 (laminin subunit alpha 2; plus strand). Cytogenetic location: 6q22.33.
Variant type: single nucleotide variant.
Coding change: c.7112T>G on transcript NM_000426.4 (MANE Select); coding-DNA position 7112, T replaced by G.
Protein change: p.Phe2371Cys; replaces phenylalanine 2371 with cysteine.
Molecular consequence: missense variant.
Genome position (GRCh38, 1-based): chr6:129,464,409, T>G. VCF-style: chr6-129464409-T-G. GRCh37 (hg19) VCF-style: chr6-129785554-T-G.
Other names: c.7112T>G, p.Phe2371Cys (NM_001079823.2); short protein forms F2371C.
Identifiers: ClinVar variation 432916 (VCV000432916.11), dbSNP rs201274841, ClinGen allele CA3994441.